The following is an entry in ClinVar:

ClinVar aggregate classification (germline): Uncertain significance (1 of 4 stars; one submission).

Allele frequency attached by ClinVar (database versions not stated): gnomAD exomes below 0.00001; gnomAD 0.00001; TOPMed 0.00001.
gnomAD v4.1: 3 of 1,613,764 alleles (0.00019%); highest among the groups gnomAD compares: African/African-American, 0.004%; no homozygotes.

Submission:

GeneDx
Classification: Uncertain significance. Last evaluated: 2019-10-10. Review status: criteria provided, single submitter. Criteria: GeneDx Variant Classification Process June 2021. Collection method: clinical testing. Allele origin: germline. Affected: yes.
Comment: Not observed in large population cohorts (Lek et al., 2016); In silico analysis, which includes protein predictors and evolutionary conservation, supports a deleterious effect; Has not been previously published as pathogenic or benign to our knowledge

NM_001375524.1(TRRAP):c.1088C>T (p.Ser363Leu)

Gene: TRRAP (transformation/transcription domain associated protein; plus strand). Cytogenetic location: 7q22.1.
Variant type: single nucleotide variant.
Coding change: c.1088C>T on transcript NM_001375524.1 (MANE Select); coding-DNA position 1088, C replaced by T.
Protein change: p.Ser363Leu; replaces serine 363 with leucine.
Molecular consequence: missense variant.
Genome position (GRCh38, 1-based): chr7:98,906,228, C>T. VCF-style: chr7-98906228-C-T. GRCh37 (hg19) VCF-style: chr7-98503851-C-T.
Other names: c.1088C>T, p.Ser363Leu (NM_001244580.2, NM_003496.4); short protein forms S363L.
Identifiers: ClinVar variation 1308854 (VCV001308854.2), dbSNP rs1349647330, ClinGen allele CA368283236.